The following is an entry in ClinVar:

NM_133379.5(TTN):c.11353G>T (p.Glu3785Ter)

Gene: TTN (titin; minus strand). Cytogenetic location: 2q31.2.
Variant type: single nucleotide variant.
Coding change: c.11353G>T on transcript NM_133379.5 (MANE Plus Clinical); coding-DNA position 11353, G replaced by T.
Protein change: p.Glu3785Ter; replaces glutamic acid 3785 with a stop codon.
Molecular consequence: nonsense. On other transcripts: intron variant (6).
Genome position (GRCh38, 1-based): chr2:178,751,047, C>A on the plus strand (G>T on the coding strand, the complement: TTN is on the minus strand). VCF-style: chr2-178751047-C-A. GRCh37 (hg19) VCF-style: chr2-179615774-C-A.
Other names: c.10222+2077G>T (NM_003319.4); c.10798+2077G>T (NM_133437.4); c.10597+2077G>T (NM_133432.3); c.10360+2077G>T (NM_133378.4, NM_001256850.1); c.11311+2077G>T (NM_001267550.2); short protein forms E3785*.
Identifiers: ClinVar variation 1700549 (VCV001700549.2), dbSNP rs2154330653, ClinGen allele CA349664086.

ClinVar aggregate classification (germline): Uncertain significance (1 of 4 stars; one submission).

Submission:

GeneDx
Classification: Uncertain significance. Last evaluated: 2022-01-25. Review status: criteria provided, single submitter. Criteria: GeneDx Variant Classification Process June 2021. Collection method: clinical testing. Allele origin: germline. Affected: yes.
Comment: Nonsense variant predicted to result in protein truncation or nonsense mediated decay in a gene for which loss-of-function is not a known mechanism of disease; Not observed at significant frequency in large population cohorts (gnomAD); Has not been previously published as pathogenic or benign to our knowledge